The following is an entry in ClinVar:

ClinVar aggregate classification (germline): Likely benign (1 of 4 stars; one submission).

Conditions:
LYRM4-related disorder. Also called: LYRM4-related condition.

gnomAD v4.1: 8 of 1,613,976 alleles (0.0005%); highest among the groups gnomAD compares: Middle Eastern, 0.017%; no homozygotes.

Submission:

PreventionGenetics, part of Exact Sciences
Classification: Likely benign for LYRM4-related condition. Last evaluated: 2026-04-09. Review status: criteria provided, single submitter. Criteria: ACMG Guidelines, 2015. Collection method: clinical testing. Allele origin: germline.
Comment: This variant is classified as likely benign based on ACMG/AMP sequence variant interpretation guidelines (Richards et al. 2015 PMID: 25741868, with internal and published modifications).

NM_020408.6(LYRM4):c.*6C>T

Genes: LYRM4 (LYR motif containing 4; minus strand), LYRM4-AS1 (LYRM4 antisense RNA 1; plus strand). Cytogenetic location: 6p25.1.
Variant type: single nucleotide variant.
Coding change: c.*6C>T on transcript NM_020408.6 (MANE Select); 6 bases downstream of the stop codon, C replaced by T.
Molecular consequence: 3 prime UTR variant. On other transcripts: non-coding transcript variant (2), intron variant (1).
Genome position (GRCh38, 1-based): chr6:5,109,417, G>A on the plus strand (C>T on the coding strand, the complement: LYRM4 is on the minus strand). VCF-style: chr6-5109417-G-A. GRCh37 (hg19) VCF-style: chr6-5109651-G-A.
Other names: c.*116C>T (NM_001164841.3); c.208-40751C>T (NM_001318783.1).
Identifiers: ClinVar variation 4977944 (VCV004977944.1).
Genomic context (GRCh38, chr6:5,109,417, plus strand): 5'-ATCTCAAACAGAGAGTGGATGCTGAAGGTGGTCCCTGGCCGCCACTGGTGGCTGGTCCCC[G>A]GCTTGCTAGGTCCTGGGCATGTCTCGATTCTCAATGATCAGCTTGTCAGTTGAATACAGT-3'